The following is an entry in ClinVar:

ClinVar aggregate classification (germline): Pathogenic (1 of 4 stars; one submission).

Submission:

Labcorp Genetics (formerly Invitae), Labcorp
Classification: Pathogenic. Last evaluated: 2022-06-17. Review status: criteria provided, single submitter. Criteria: Invitae Variant Classification Sherloc (09022015). Collection method: clinical testing. Allele origin: germline.
Comment: This variant is not present in population databases (gnomAD no frequency). This variant, c.350_355del, results in the deletion of 2 amino acid(s) of the ALPL protein (p.Tyr117_Leu118del), but otherwise preserves the integrity of the reading frame. This variant has not been reported in the literature in individuals affected with ALPL-related conditions. For these reasons, this variant has been classified as Pathogenic. This variant disrupts a region of the ALPL protein in which other variant(s) (p.Tyr117Cys) have been determined to be pathogenic (PMID: 19335222, 29236161). This suggests that this is a clinically significant region of the protein, and that variants that disrupt it are likely to be disease-causing.

Literature cited by the submitters: PubMed 19335222; PubMed 29236161.

NM_000478.6(ALPL):c.350_355del (p.Tyr117_Leu118del)

Gene: ALPL (alkaline phosphatase, biomineralization associated; plus strand). Cytogenetic location: 1p36.12.
Variant type: Deletion.
Coding change: c.350_355del on transcript NM_000478.6 (MANE Select); coding-DNA positions 350 to 355, 6 bases deleted (ACCTGT; older notation c.350_355delACCTGT).
Protein change: p.Tyr117_Leu118del.
Molecular consequence: inframe deletion.
Genome position (GRCh38, 1-based): chr1:21,563,162-21,563,167, ACCTGT deleted; deleting any 6 consecutive bases within chr1:21,563,161-21,563,167 gives the same sequence; the c. name uses the placement nearest the transcript's 3' end. VCF-style (leftmost placement, unchanged base first): chr1-21563160-CTACCTG-C. GRCh37 (hg19) VCF-style: chr1-21889653-CTACCTG-C.
Other names: c.185_190del, p.Tyr62_Leu63del (NM_001127501.4); c.119_124del, p.Tyr40_Leu41del (NM_001177520.3); c.350_355del, p.Tyr117_Leu118del (NM_001369803.2, NM_001369804.2, NM_001369805.2).
Identifiers: ClinVar variation 1896646 (VCV001896646.5), dbSNP rs2545298876, ClinGen allele CA2580061453.